The following is an entry in ClinVar:

ClinVar aggregate classification (germline): Likely benign. Review status: criteria provided, multiple submitters, no conflicts (2 of 4 stars). 3 submissions from 3 submitters: Likely benign (3). Last evaluated 2024-11-21.

Allele frequency attached by ClinVar (database versions not stated): 1000 Genomes Project 30x 0.00016; 1000 Genomes Project 0.00020; TOPMed 0.00042; gnomAD 0.00046 and 0.00054; ExAC 0.00049; gnomAD exomes 0.00049 and 0.00051; ESP Exome Variant Server 0.00054.
gnomAD v4.1: 809 of 1,613,588 alleles (0.05%); highest among the groups gnomAD compares: Non-Finnish European, 0.06%; no homozygotes.

Submissions (3):

Blueprint Genetics
Classification: Likely benign. Last evaluated: 2024-11-21. Review status: criteria provided, single submitter. Criteria: ACMG Guidelines, 2015. Collection method: clinical testing. Allele origin: germline.

CeGaT Center for Human Genetics Tuebingen
Classification: Likely benign. Last evaluated: 2022-04-01. Review status: criteria provided, single submitter. Criteria: CeGaT Center For Human Genetics Tuebingen Variant Classification Criteria Version 2. Collection method: clinical testing. Allele origin: germline. Affected: yes. Observed: 1 variant allele.
Comment: LIPE: BP4, BP7

Labcorp Genetics (formerly Invitae), Labcorp
Classification: Likely benign. Last evaluated: 2018-04-17. Review status: criteria provided, single submitter. Criteria: Invitae Variant Classification Sherloc (09022015). Collection method: clinical testing. Allele origin: germline.

NM_005357.4(LIPE):c.1929G>A (p.Ser643=)

Genes: LIPE (lipase E, hormone sensitive type; minus strand), LIPE-AS1 (LIPE antisense RNA 1; plus strand), LOC101930071 (uncharacterized LOC101930071; plus strand). Cytogenetic location: 19q13.2.
Variant type: single nucleotide variant.
Coding change: c.1929G>A on transcript NM_005357.4 (MANE Select); coding-DNA position 1929, G replaced by A.
Protein change: p.Ser643=; no amino-acid change (serine 643 retained).
Molecular consequence: synonymous variant.
Genome position (GRCh38, 1-based): chr19:42,407,382, C>T on the plus strand (G>A on the coding strand, the complement: LIPE is on the minus strand). VCF-style: chr19-42407382-C-T. GRCh37 (hg19) VCF-style: chr19-42911534-C-T.
Identifiers: ClinVar variation 736654 (VCV000736654.28), dbSNP rs150537286, ClinGen allele CA9476858.